The following is an entry in ClinVar:

ClinVar aggregate classification (germline): Pathogenic. Review status: criteria provided, multiple submitters, no conflicts (2 of 4 stars). 2 submissions from 2 submitters: Pathogenic (2). Last evaluated 2025-07-08.

Conditions:
Cardiovascular phenotype. Identifiers: MedGen CN230736.
Hereditary cancer-predisposing syndrome. Also called: Neoplastic Syndromes, Hereditary; Tumor predisposition; Hereditary Cancer Syndrome; Hereditary neoplastic syndrome. Identifiers: Orphanet 140162, MedGen C0027672, MeSH D009386, MONDO:0015356.

Submissions (2):

Ambry Genetics
Classification: Pathogenic for Cardiovascular phenotype; Hereditary cancer-predisposing syndrome. Last evaluated: 2025-07-08. Review status: criteria provided, single submitter. Criteria: Ambry Variant Classification Scheme 2023. Collection method: clinical testing. Allele origin: germline.
Comment: The c.179_180delGCinsAA pathogenic mutation, located in coding exon 1 of the LZTR1 gene, results from an in-frame deletion of GC and insertion of AA at nucleotide positions 179 to 180. This results in the premature termination of the protein at codon 60. This variant is considered to be rare based on population cohorts in the Genome Aggregation Database (gnomAD). This alteration is expected to result in loss of function by premature protein truncation or nonsense-mediated mRNA decay. Loss-of-function variants in LZTR1 are related to an increased risk for schwannomas and autosomal recessive Noonan syndrome; however, such associations with autosomal dominant Noonan syndrome have not been observed (Piotrowski A et al. Nat Genet. 2014 Feb;46:182-7; Yamamoto GL et al. J Med Genet. 2015 Jun;52:413-21; Johnston JJ et al. Genet Med. 2018 10;20:1175-1185). Based on the supporting evidence, this variant is pathogenic for an increased risk of LZTR1-related schwannomatosis (SWN) and would be expected to cause autosomal recessive Noonan syndrome when present along with a second pathogenic or likely pathogenic variant on the other allele; however, the association of this alteration with autosomal dominant Noonan syndrome is unlikely.

CeGaT Center for Human Genetics Tuebingen
Classification: Pathogenic. Last evaluated: 2025-05-01. Review status: criteria provided, single submitter. Criteria: CeGaT Center For Human Genetics Tuebingen Variant Classification Criteria Version 2. Collection method: clinical testing. Allele origin: germline. Affected: yes. Observed: 1 variant allele.
Comment: LZTR1: PVS1, PM2

NM_006767.4(LZTR1):c.179_180delinsAA (p.Cys60Ter)

Gene: LZTR1 (leucine zipper like post translational regulator 1; plus strand). Cytogenetic location: 22q11.21.
Variant type: Indel.
Coding change: c.179_180delinsAA on transcript NM_006767.4 (MANE Select); coding-DNA positions 179 to 180, GC replaced by AA.
Protein change: p.Cys60Ter; replaces cysteine 60 with a stop codon.
Molecular consequence: nonsense.
Genome position (GRCh38, 1-based): chr22:20,982,550-20,982,551, GC replaced by AA. VCF-style: chr22-20982550-GC-AA. GRCh37 (hg19) VCF-style: chr22-21336839-GC-AA.
Other names: c.179_180delGCinsAA (NM_006767.3); short protein forms C60*.
Identifiers: ClinVar variation 3906114 (VCV003906114.11).